The following is an entry in ClinVar:

NM_015278.5(SASH1):c.1812G>A (p.Thr604=)

Gene: SASH1 (SAM and SH3 domain containing 1; plus strand). Cytogenetic location: 6q25.1.
Variant type: single nucleotide variant.
Coding change: c.1812G>A on transcript NM_015278.5 (MANE Select); coding-DNA position 1812, G replaced by A.
Protein change: p.Thr604=; no amino-acid change (threonine 604 retained).
Molecular consequence: synonymous variant.
Genome position (GRCh38, 1-based): chr6:148,533,848, G>A. VCF-style: chr6-148533848-G-A. GRCh37 (hg19) VCF-style: chr6-148854984-G-A.
Other names: c.1812G>A (NM_015278.4); c.1677G>A, p.Thr559= (NM_001346505.2); c.1440G>A, p.Thr480= (NM_001346506.2); c.1095G>A, p.Thr365= (NM_001346507.2); c.1584G>A, p.Thr528= (NM_001346508.2); c.1461G>A, p.Thr487= (NM_001346509.2).
Identifiers: ClinVar variation 1282722 (VCV001282722.4), dbSNP rs2294787, ClinGen allele CA4040434.

ClinVar aggregate classification (germline): Benign. Review status: criteria provided, multiple submitters, no conflicts (2 of 4 stars). 3 submissions from 3 submitters: Benign (2). 1 of the submissions does not count toward it. Last evaluated 2024-11-26.

Conditions:
SASH1-related disorder. Also called: SASH1-related condition.

Allele frequency attached by ClinVar (database versions not stated): 1000 Genomes Project 30x 0.05091; 1000 Genomes Project 0.05152; TOPMed 0.06916; gnomAD 0.07079 and 0.07092; ESP Exome Variant Server 0.07258; ExAC 0.07650; gnomAD exomes 0.07702 and 0.09061.
gnomAD v4.1: 143,285 of 1,613,930 alleles (8.9%); highest among the groups gnomAD compares: Middle Eastern, 11%; 6,930 homozygotes.

Submissions (3):

Blueprint Genetics
Classification: Benign. Last evaluated: 2024-11-26. Review status: criteria provided, single submitter. Criteria: ACMG Guidelines, 2015. Collection method: clinical testing. Allele origin: germline.

GeneDx
Classification: Benign. Last evaluated: 2021-05-05. Review status: criteria provided, single submitter. Criteria: GeneDx Variant Classification Process June 2021. Collection method: clinical testing. Allele origin: germline. Affected: yes.

PreventionGenetics, part of Exact Sciences
Classification: Benign for SASH1-related condition. Last evaluated: 2019-05-06. Review status: no assertion criteria provided. Collection method: clinical testing. Allele origin: germline. Not counted in ClinVar's aggregate classification.
Comment: This variant is classified as benign based on ACMG/AMP sequence variant interpretation guidelines (Richards et al. 2015 PMID: 25741868, with internal and published modifications).